The following is an entry in ClinVar:

ClinVar aggregate classification (germline): Uncertain significance (1 of 4 stars; one submission).

Conditions:
Hereditary sensory and autonomic neuropathy type 7. Also called: HSAN VII; Neuropathy, hereditary sensory and autonomic, type VII. Identifiers: Orphanet 391397, MedGen C3809882, MONDO:0014244, OMIM 615548.
Familial episodic pain syndrome with predominantly lower limb involvement. Also called: Episodic pain syndrome, familial, 3. Identifiers: Orphanet 391384, Orphanet 391392, MedGen C3809899, MONDO:0014247, OMIM 615552.

Allele frequency attached by ClinVar (database versions not stated): gnomAD 0.00002 and 0.00003; gnomAD exomes 0.00002 and 0.00004; TOPMed 0.00002; ExAC 0.00001.
gnomAD v4.1: 67 of 1,614,168 alleles (0.0042%); highest among the groups gnomAD compares: East Asian, 0.047%; no homozygotes.

Submission:

Labcorp Genetics (formerly Invitae), Labcorp
Classification: Uncertain significance for Familial episodic pain syndrome with predominantly lower limb involvement; Hereditary sensory and autonomic neuropathy type 7. Last evaluated: 2025-05-18. Review status: criteria provided, single submitter. Criteria: Invitae Variant Classification Sherloc (09022015). Collection method: clinical testing. Allele origin: germline.
Comment: This sequence change replaces glycine, which is neutral and non-polar, with aspartic acid, which is acidic and polar, at codon 890 of the SCN11A protein (p.Gly890Asp). This variant is present in population databases (rs769754010, gnomAD 0.02%). This missense change has been observed in individual(s) with familial episodic pain syndrome (PMID: 38999942). ClinVar contains an entry for this variant (Variation ID: 1003983). Invitae Evidence Modeling of protein sequence and biophysical properties (such as structural, functional, and spatial information, amino acid conservation, physicochemical variation, residue mobility, and thermodynamic stability) indicates that this missense variant is not expected to disrupt SCN11A protein function with a negative predictive value of 80%. In summary, the available evidence is currently insufficient to determine the role of this variant in disease. Therefore, it has been classified as a Variant of Uncertain Significance.

Literature cited by the submitters: PubMed 38999942.

NM_001349253.2(SCN11A):c.2669G>A (p.Gly890Asp)

Gene: SCN11A (sodium voltage-gated channel alpha subunit 11; minus strand). Cytogenetic location: 3p22.2.
Variant type: single nucleotide variant.
Coding change: c.2669G>A on transcript NM_001349253.2 (MANE Select); coding-DNA position 2669, G replaced by A.
Protein change: p.Gly890Asp; replaces glycine 890 with aspartic acid.
Molecular consequence: missense variant.
Genome position (GRCh38, 1-based): chr3:38,894,699, C>T on the plus strand (G>A on the coding strand, the complement: SCN11A is on the minus strand). VCF-style: chr3-38894699-C-T. GRCh37 (hg19) VCF-style: chr3-38936190-C-T.
Other names: c.2669G>A, p.Gly890Asp (NM_014139.3); short protein forms G890D.
Identifiers: ClinVar variation 1003983 (VCV001003983.4), dbSNP rs769754010, ClinGen allele CA2321992.